The following is an entry in ClinVar:

NM_001792.5(CDH2):c.274A>G (p.Ser92Gly)

Gene: CDH2 (cadherin 2; minus strand). Cytogenetic location: 18q12.1.
Variant type: single nucleotide variant.
Coding change: c.274A>G on transcript NM_001792.5 (MANE Select); coding-DNA position 274, A replaced by G.
Protein change: p.Ser92Gly; replaces serine 92 with glycine.
Molecular consequence: missense variant.
Genome position (GRCh38, 1-based): chr18:28,013,808, T>C on the plus strand (A>G on the coding strand, the complement: CDH2 is on the minus strand). VCF-style: chr18-28013808-T-C. GRCh37 (hg19) VCF-style: chr18-25593772-T-C.
Other names: c.274A>G (NM_001792.4); c.181A>G, p.Ser61Gly (NM_001308176.2); short protein forms S61G, S92G.
Identifiers: ClinVar variation 1602629 (VCV001602629.12), dbSNP rs150017015, ClinGen allele CA8923736.

ClinVar aggregate classification (germline): Likely benign. Review status: criteria provided, multiple submitters, no conflicts (2 of 4 stars). 4 submissions from 4 submitters: Likely benign (3). 1 of the submissions does not count toward it. Last evaluated 2026-10-01.

Conditions:
CDH2-related disorder. Also called: CDH2-related condition.

Allele frequency attached by ClinVar (database versions not stated): 1000 Genomes Project 30x 0.00016; 1000 Genomes Project 0.00020; gnomAD 0.00036 and 0.00039; ExAC 0.00039; gnomAD exomes 0.00041; ESP Exome Variant Server 0.00069.
gnomAD v4.1: 568 of 1,614,004 alleles (0.035%); highest among the groups gnomAD compares: Middle Eastern, 0.099%; no homozygotes.

Submissions (4):

CeGaT Center for Human Genetics Tuebingen
Classification: Likely benign. Last evaluated: 2026-10-01. Review status: criteria provided, single submitter. Criteria: CeGaT Center For Human Genetics Tuebingen Variant Classification Criteria Version 2. Collection method: clinical testing. Allele origin: germline. Affected: yes. Observed: 1 variant allele.
Comment: CDH2: BP4

Labcorp Genetics (formerly Invitae), Labcorp
Classification: Likely benign. Last evaluated: 2026-01-26. Review status: criteria provided, single submitter. Criteria: Invitae Variant Classification Sherloc (09022015). Collection method: clinical testing. Allele origin: germline.

Blueprint Genetics
Classification: Likely benign. Last evaluated: 2024-11-26. Review status: criteria provided, single submitter. Criteria: ACMG Guidelines, 2015. Collection method: clinical testing. Allele origin: germline.

PreventionGenetics, part of Exact Sciences
Classification: Likely benign for CDH2-related condition. Last evaluated: 2023-10-13. Review status: no assertion criteria provided. Collection method: clinical testing. Allele origin: germline. Not counted in ClinVar's aggregate classification.
Comment: This variant is classified as likely benign based on ACMG/AMP sequence variant interpretation guidelines (Richards et al. 2015 PMID: 25741868, with internal and published modifications).